The following is an entry in ClinVar:

ClinVar aggregate classification (germline): Uncertain significance (1 of 4 stars; one submission).

Submission:

GeneDx
Classification: Uncertain significance. Last evaluated: 2023-05-31. Review status: criteria provided, single submitter. Criteria: GeneDx Variant Classification Process June 2021. Collection method: clinical testing. Allele origin: germline. Affected: yes.
Comment: Not observed at significant frequency in large population cohorts (gnomAD); In silico analysis supports that this missense variant does not alter protein structure/function; Has not been previously published as pathogenic or benign to our knowledge

NM_006494.4(ERF):c.357T>G (p.Ile119Met)

Gene: ERF (ETS2 repressor factor; minus strand). Cytogenetic location: 19q13.2.
Variant type: single nucleotide variant.
Coding change: c.357T>G on transcript NM_006494.4 (MANE Select); coding-DNA position 357, T replaced by G.
Protein change: p.Ile119Met; replaces isoleucine 119 with methionine.
Molecular consequence: missense variant.
Genome position (GRCh38, 1-based): chr19:42,249,843, A>C on the plus strand (T>G on the coding strand, the complement: ERF is on the minus strand). VCF-style: chr19-42249843-A-C. GRCh37 (hg19) VCF-style: chr19-42753995-A-C.
Other names: c.132T>G, p.Ile44Met (NM_001301035.2, NM_001308402.2, NM_001312656.2); short protein forms I119M, I44M.
Identifiers: ClinVar variation 3362051 (VCV003362051.1).